The following is an entry in ClinVar:

NM_031372.4(HNRNPDL):c.1085A>G (p.Asn362Ser)

Gene: HNRNPDL (heterogeneous nuclear ribonucleoprotein D like; minus strand). Cytogenetic location: 4q21.22.
Variant type: single nucleotide variant.
Coding change: c.1085A>G on transcript NM_031372.4 (MANE Select); coding-DNA position 1085, A replaced by G.
Protein change: p.Asn362Ser; replaces asparagine 362 with serine.
Molecular consequence: missense variant. On other transcripts: non-coding transcript variant (1), intron variant (1).
Genome position (GRCh38, 1-based): chr4:82,426,570, T>C on the plus strand (A>G on the coding strand, the complement: HNRNPDL is on the minus strand). VCF-style: chr4-82426570-T-C. GRCh37 (hg19) VCF-style: chr4-83347723-T-C.
Other names: c.1022-441A>G (NM_001207000.1); short protein forms N362S.
Identifiers: ClinVar variation 2303746 (VCV002303746.5), dbSNP rs776760012, ClinGen allele CA2984782.
Genomic context (GRCh38, chr4:82,426,570, plus strand): 5'-TACCCAGTATAATCATATCCGCCATAGCCACTATAGTTTTGATCACCACCATAGGCACTA[T>C]TGTAATTTCCATATCCTTGATCATAATAGTTATTAAATCCTTGGTTCCAGTTTTGGCCCT-3'
Protein context (NP_112740.1, residues 352-372): NYYDQGYGNY[Asn362Ser]SAYGGDQNYS

ClinVar aggregate classification (germline): Uncertain significance. Review status: criteria provided, multiple submitters, no conflicts (2 of 4 stars). 2 submissions from 2 submitters: Uncertain significance (2). Last evaluated 2023-05-24.

Conditions:
Autosomal dominant limb-girdle muscular dystrophy type 1G (LGMDD3). Also called: Limb-girdle muscular dystrophy, type 1G; MUSCULAR DYSTROPHY, LIMB-GIRDLE, AUTOSOMAL DOMINANT 3. Identifiers: Orphanet 55596, MedGen C1836765, MONDO:0012193, OMIM 609115.

Allele frequency attached by ClinVar (database versions not stated): ExAC 0.00001; gnomAD 0.00001.
gnomAD v4.1: 12 of 1,613,590 alleles (0.00074%); highest among the groups gnomAD compares: South Asian, 0.0044%; no homozygotes.

Submissions (2):

Labcorp Genetics (formerly Invitae), Labcorp
Classification: Uncertain significance for Autosomal dominant limb-girdle muscular dystrophy type 1G. Last evaluated: 2023-05-24. Review status: criteria provided, single submitter. Criteria: Invitae Variant Classification Sherloc (09022015). Collection method: clinical testing. Allele origin: germline.
Comment: This variant has not been reported in the literature in individuals affected with HNRNPDL-related conditions. This variant is present in population databases (rs776760012, gnomAD 0.003%). This sequence change replaces asparagine, which is neutral and polar, with serine, which is neutral and polar, at codon 362 of the HNRNPDL protein (p.Asn362Ser). ClinVar contains an entry for this variant (Variation ID: 2303746). In summary, the available evidence is currently insufficient to determine the role of this variant in disease. Therefore, it has been classified as a Variant of Uncertain Significance. An algorithm developed to predict the effect of missense changes on protein structure and function (PolyPhen-2) suggests that this variant is likely to be tolerated.

Ambry Genetics
Classification: Uncertain significance. Last evaluated: 2022-07-26. Review status: criteria provided, single submitter. Criteria: Ambry Variant Classification Scheme 2023. Collection method: clinical testing. Allele origin: germline.